The following is an entry in ClinVar:

ClinVar aggregate classification (germline): Uncertain significance (1 of 4 stars; one submission).

Conditions:
Aicardi-Goutieres syndrome 6 (AGS6). Identifiers: Orphanet 51, MedGen C3539013, MONDO:0014007, OMIM 615010.
Symmetrical dyschromatosis of extremities (DSH). Also called: DYSCHROMATOSIS SYMMETRICA HEREDITARIA 1; RETICULATE ACROPIGMENTATION OF DOHI; SYMMETRIC DYSCHROMATOSIS OF THE EXTREMITIES; Dyschromatosis symmetrica hereditaria. Identifiers: Orphanet 41, MedGen C0406775, MONDO:0007483, OMIM 127400.

Allele frequency attached by ClinVar (database versions not stated): gnomAD 0.00002; ExAC 0.00001; gnomAD exomes 0.00001; TOPMed 0.00002.
gnomAD v4.1: 19 of 1,614,106 alleles (0.0012%); highest among the groups gnomAD compares: East Asian, 0.0045%; no homozygotes.

Submission:

Labcorp Genetics (formerly Invitae), Labcorp
Classification: Uncertain significance for Aicardi-Goutieres syndrome 6; Symmetrical dyschromatosis of extremities. Last evaluated: 2025-12-08. Review status: criteria provided, single submitter. Criteria: Invitae Variant Classification Sherloc (09022015). Collection method: clinical testing. Allele origin: germline.
Comment: This sequence change replaces isoleucine, which is neutral and non-polar, with valine, which is neutral and non-polar, at codon 568 of the ADAR protein (p.Ile568Val). This variant is present in population databases (rs755915771, gnomAD 0.005%). This variant has not been reported in the literature in individuals affected with ADAR-related conditions. ClinVar contains an entry for this variant (Variation ID: 1449436). Invitae Evidence Modeling of protein sequence and biophysical properties (such as structural, functional, and spatial information, amino acid conservation, physicochemical variation, residue mobility, and thermodynamic stability) indicates that this missense variant is not expected to disrupt ADAR protein function with a negative predictive value of 80%. In summary, the available evidence is currently insufficient to determine the role of this variant in disease. Therefore, it has been classified as a Variant of Uncertain Significance.

NM_001111.5(ADAR):c.1702A>G (p.Ile568Val)

Gene: ADAR (adenosine deaminase RNA specific; minus strand). Cytogenetic location: 1q21.3.
Variant type: single nucleotide variant.
Coding change: c.1702A>G on transcript NM_001111.5 (MANE Select); coding-DNA position 1702, A replaced by G.
Protein change: p.Ile568Val; replaces isoleucine 568 with valine.
Molecular consequence: missense variant.
Genome position (GRCh38, 1-based): chr1:154,598,485, T>C on the plus strand (A>G on the coding strand, the complement: ADAR is on the minus strand). VCF-style: chr1-154598485-T-C. GRCh37 (hg19) VCF-style: chr1-154570961-T-C.
Other names: c.817A>G, p.Ile273Val (NM_001025107.3, NM_001193495.2, NM_001365046.1 and 3 more transcripts); c.1729A>G, p.Ile577Val (NM_001365045.1); c.1702A>G, p.Ile568Val (NM_015840.4, NM_015841.4); short protein forms I273V, I577V, I568V.
Identifiers: ClinVar variation 1449436 (VCV001449436.8), dbSNP rs755915771, ClinGen allele CA1131497.